The following is an entry in ClinVar:

ClinVar aggregate classification (germline): Conflicting classifications of pathogenicity. Review status: criteria provided, conflicting classifications (1 of 4 stars). 3 submissions from 3 submitters: Uncertain significance (2); Likely benign (1). Last evaluated 2024-04-07.

Conditions:
Primary ciliary dyskinesia. Also called: Ciliary dyskinesia. Identifiers: Orphanet 244, MedGen C0008780, MONDO:0016575, HP:0012265.

Allele frequency attached by ClinVar (database versions not stated): gnomAD exomes 0.00004; gnomAD 0.00005 and 0.00007; TOPMed 0.00006.

Submissions (3):

Ambry Genetics
Classification: Uncertain significance for Primary ciliary dyskinesia. Last evaluated: 2024-04-07. Review status: criteria provided, single submitter. Criteria: Ambry Variant Classification Scheme 2023. Collection method: clinical testing. Allele origin: germline.
Comment: The p.V851M variant (also known as c.2551G>A), located in coding exon 13 of the DNAAF5 gene, results from a G to A substitution at nucleotide position 2551. The valine at codon 851 is replaced by methionine, an amino acid with highly similar properties. This amino acid position is conserved. In addition, this alteration is predicted to be tolerated by in silico analysis. Based on the available evidence, the clinical significance of this variant remains unclear.

Blueprint Genetics
Classification: Likely benign. Last evaluated: 2023-07-10. Review status: criteria provided, single submitter. Criteria: ACMG Guidelines, 2015. Collection method: clinical testing. Allele origin: germline.

Labcorp Genetics (formerly Invitae), Labcorp
Classification: Uncertain significance for Primary ciliary dyskinesia. Last evaluated: 2021-08-24. Review status: criteria provided, single submitter. Criteria: Invitae Variant Classification Sherloc (09022015). Collection method: clinical testing. Allele origin: germline.
Comment: This sequence change replaces valine with methionine at codon 851 of the DNAAF5 protein (p.Val851Met). The valine residue is weakly conserved and there is a small physicochemical difference between valine and methionine. This variant is present in population databases (rs201895277, ExAC 0.02%). This variant has not been reported in the literature in individuals affected with DNAAF5-related conditions. Algorithms developed to predict the effect of missense changes on protein structure and function output the following: SIFT: "Tolerated"; PolyPhen-2: "Benign"; Align-GVGD: "Class C0". The methionine amino acid residue is found in multiple mammalian species, which suggests that this missense change does not adversely affect protein function. In summary, the available evidence is currently insufficient to determine the role of this variant in disease. Therefore, it has been classified as a Variant of Uncertain Significance.

NM_017802.4(DNAAF5):c.2551G>A (p.Val851Met)

Gene: DNAAF5 (dynein axonemal assembly factor 5; plus strand). Cytogenetic location: 7p22.3.
Variant type: single nucleotide variant.
Coding change: c.2551G>A on transcript NM_017802.4 (MANE Select); coding-DNA position 2551, G replaced by A.
Protein change: p.Val851Met; replaces valine 851 with methionine.
Molecular consequence: missense variant. On other transcripts: non-coding transcript variant (1).
Genome position (GRCh38, 1-based): chr7:785,636, G>A. VCF-style: chr7-785636-G-A. GRCh37 (hg19) VCF-style: chr7-825273-G-A.
Other names: short protein forms V851M.
Identifiers: ClinVar variation 454862 (VCV000454862.9), dbSNP rs201895277, ClinGen allele CA4111242.